The following is an entry in ClinVar:

NM_017763.6(RNF43):c.80G>A (p.Arg27His)

Gene: RNF43 (ring finger protein 43; minus strand). Cytogenetic location: 17q22.
Variant type: single nucleotide variant.
Coding change: c.80G>A on transcript NM_017763.6 (MANE Select); coding-DNA position 80, G replaced by A.
Protein change: p.Arg27His; replaces arginine 27 with histidine.
Molecular consequence: missense variant.
Genome position (GRCh38, 1-based): chr17:58,415,498, C>T on the plus strand (G>A on the coding strand, the complement: RNF43 is on the minus strand). VCF-style: chr17-58415498-C-T. GRCh37 (hg19) VCF-style: chr17-56492859-C-T.
Other names: c.80G>A (NM_017763.4); c.80G>A, p.Arg27His (NM_001305544.3); short protein forms R27H.
Identifiers: ClinVar variation 998865 (VCV000998865.12), dbSNP rs368379005, ClinGen allele CA8673515.

ClinVar aggregate classification (germline): Uncertain significance. Review status: criteria provided, multiple submitters, no conflicts (2 of 4 stars). 5 submissions from 5 submitters: Uncertain significance (5). Last evaluated 2024-11-18.

Conditions:
Sessile serrated polyposis cancer syndrome (SSPCS). Identifiers: Orphanet 157798, MedGen C4310714, MONDO:0014919, OMIM 617108.

Allele frequency attached by ClinVar (database versions not stated): gnomAD 0.00001; ExAC 0.00002; gnomAD exomes 0.00002; TOPMed 0.00002; ESP Exome Variant Server 0.00008.

Submissions (5):

Ambry Genetics
Classification: Uncertain significance. Last evaluated: 2024-11-18. Review status: criteria provided, single submitter. Criteria: Ambry Variant Classification Scheme 2023. Collection method: clinical testing. Allele origin: germline.
Comment: The p.R27H variant (also known as c.80G>A), located in coding exon 1 of the RNF43 gene, results from a G to A substitution at nucleotide position 80. The arginine at codon 27 is replaced by histidine, an amino acid with highly similar properties. This amino acid position is conserved. In addition, this alteration is predicted to be tolerated by in silico analysis. Based on the available evidence, the clinical significance of this variant remains unclear.

Fulgent Genetics
Classification: Uncertain significance for Sessile serrated polyposis cancer syndrome. Last evaluated: 2024-01-26. Review status: criteria provided, single submitter. Criteria: ACMG Guidelines, 2015. Collection method: clinical testing. Allele origin: germline.

Baylor Genetics
Classification: Uncertain significance for Sessile serrated polyposis cancer syndrome. Last evaluated: 2023-09-19. Review status: criteria provided, single submitter. Criteria: ACMG Guidelines, 2015. Collection method: clinical testing. Allele origin: unknown.

Labcorp Genetics (formerly Invitae), Labcorp
Classification: Uncertain significance. Last evaluated: 2023-07-08. Review status: criteria provided, single submitter. Criteria: Invitae Variant Classification Sherloc (09022015). Collection method: clinical testing. Allele origin: germline.
Comment: In summary, the available evidence is currently insufficient to determine the role of this variant in disease. Therefore, it has been classified as a Variant of Uncertain Significance. Algorithms developed to predict the effect of missense changes on protein structure and function output the following: SIFT: "Not Available"; PolyPhen-2: "Benign"; Align-GVGD: "Not Available". The histidine amino acid residue is found in multiple mammalian species, which suggests that this missense change does not adversely affect protein function. ClinVar contains an entry for this variant (Variation ID: 998865). This variant has not been reported in the literature in individuals affected with RNF43-related conditions. This variant is present in population databases (rs368379005, gnomAD 0.005%). This sequence change replaces arginine, which is basic and polar, with histidine, which is basic and polar, at codon 27 of the RNF43 protein (p.Arg27His).

GeneDx
Classification: Uncertain significance. Last evaluated: 2023-06-05. Review status: criteria provided, single submitter. Criteria: GeneDx Variant Classification Process June 2021. Collection method: clinical testing. Allele origin: germline. Affected: yes.
Comment: Not observed at significant frequency in large population cohorts (gnomAD); In silico analysis supports that this missense variant does not alter protein structure/function; Has not been previously published as pathogenic or benign to our knowledge; Variants in candidate genes are classified as variants of uncertain significance in accordance with ACMG guidelines (Richards et al., 2015)